The following is an entry in ClinVar:

ClinVar aggregate classification (germline): Uncertain significance (1 of 4 stars; one submission).

Conditions:
Catecholaminergic polymorphic ventricular tachycardia (CVPT). Also called: Catecholamine-induced polymorphic ventricular tachycardia. Identifiers: Orphanet 3286, MedGen C5574922, MONDO:0017990.

Submission:

All of Us Research Program, National Institutes of Health
Classification: Uncertain significance for Catecholaminergic polymorphic ventricular tachycardia. Last evaluated: 2023-12-18. Review status: criteria provided, single submitter. Criteria: ACMG Guidelines, 2015. Collection method: clinical testing. Allele origin: germline. Inheritance: Autosomal dominant inheritance. Observed: 1 variant allele, 1 heterozygote.
Comment: This missense variant replaces arginine with glycine at codon 1055 of the RYR2 protein. Computational prediction is inconclusive regarding the impact of this variant on protein structure and function (internally defined REVEL score threshold 0.5 < inconclusive < 0.7, PMID: 27666373). To our knowledge, functional studies have not been reported for this variant. This variant has not been reported in individuals affected with RYR2-related disorders in the literature. This variant has not been identified in the general population by the Genome Aggregation Database (gnomAD). The available evidence is insufficient to determine the role of this variant in disease conclusively. Therefore, this variant is classified as a Variant of Uncertain Significance.

This study involves interpretation of variants in research participants for the purpose of population health screening. Participant phenotype was not available at the time of variant classification. Additional details can be found in publication PMID: 35346344, PMCID: PMC8962531

NM_001035.3(RYR2):c.3163C>G (p.Arg1055Gly)

Gene: RYR2 (ryanodine receptor 2; plus strand). Cytogenetic location: 1q43.
Variant type: single nucleotide variant.
Coding change: c.3163C>G on transcript NM_001035.3 (MANE Select); coding-DNA position 3163, C replaced by G.
Protein change: p.Arg1055Gly; replaces arginine 1055 with glycine.
Molecular consequence: missense variant.
Genome position (GRCh38, 1-based): chr1:237,550,640, C>G. VCF-style: chr1-237550640-C-G. GRCh37 (hg19) VCF-style: chr1-237713940-C-G.
Other names: short protein forms R1055G.
Identifiers: ClinVar variation 3075093 (VCV003075093.1), dbSNP rs754181384, ClinGen allele CA345395015.
Genomic context (GRCh38, chr1:237,550,640, plus strand): 5'-TACACTCTTCTGGATGACCGAACCAAGAAATCCAACAAGGACAGCCTCCGCGAGGCTGTG[C>G]GCACGCTGCTGGGGTACGGCTACAACTTGGAAGCACCAGATCAAGATCATGGTATTTTGG-3'
Protein context (NP_001026.2, residues 1045-1065): SNKDSLREAV[Arg1055Gly]TLLGYGYNLE